The following is an entry in ClinVar:

NM_152564.5(VPS13B):c.11495+178_11507delinsCAG

Gene: VPS13B (vacuolar protein sorting 13 homolog B; plus strand). Cytogenetic location: 8q22.2.
Variant type: Indel.
Coding change: c.11495+178_11507delinsCAG on transcript NM_152564.5 (MANE Select); 178 bases into the intron after coding-DNA position 11495 through coding-DNA position 11507, the reference bases replaced by CAG.
Molecular consequence: splice acceptor variant.
Genome position (GRCh38, 1-based): chr8:99,871,065-99,871,459, 395 bases replaced. GRCh37 (hg19): chr8:100,883,293-100,883,687.
Other names: c.11570+178_11582delinsCAG (NM_017890.5).
Identifiers: ClinVar variation 2072845 (VCV002072845.4), dbSNP rs2492371596, ClinGen allele CA2580079262.

ClinVar aggregate classification (germline): Likely pathogenic (1 of 4 stars; one submission).

Conditions:
Cohen syndrome (COH1). Also called: Cutis verticis gyrata, retinitis pigmentosa, and sensorineural deafness; PEPPER SYNDROME. Identifiers: Orphanet 193, MedGen C0265223, MONDO:0008999, OMIM 216550.

Submission:

Labcorp Genetics (formerly Invitae), Labcorp
Classification: Likely pathogenic for Cohen syndrome. Last evaluated: 2022-01-03. Review status: criteria provided, single submitter. Criteria: Invitae Variant Classification Sherloc (09022015). Collection method: clinical testing. Allele origin: germline.
Comment: This variant is not present in population databases (gnomAD no frequency). In summary, the currently available evidence indicates that the variant is pathogenic, but additional data are needed to prove that conclusively. Therefore, this variant has been classified as Likely Pathogenic. Algorithms developed to predict the effect of sequence changes on RNA splicing suggest that this variant may create or strengthen a splice site. This variant has not been reported in the literature in individuals affected with VPS13B-related conditions. This variant results in the deletion of part of exon 61 (c.11570+178_11582delinsCAG) of the VPS13B gene. It is expected to disrupt RNA splicing. Variants that disrupt the donor or acceptor splice site typically lead to a loss of protein function (PMID: 16199547), and loss-of-function variants in VPS13B are known to be pathogenic (PMID: 15141358, 16648375, 20461111).

Literature cited by the submitters: PubMed 16199547; PubMed 15141358; PubMed 16648375; PubMed 20461111.